The following is an entry in ClinVar:

NM_001352027.3(PHF21A):c.360+3A>G

Gene: PHF21A (PHD finger protein 21A; minus strand). Cytogenetic location: 11p11.2.
Variant type: single nucleotide variant.
Coding change: c.360+3A>G on transcript NM_001352027.3 (MANE Select); 3 bases into the intron after coding-DNA position 360, A replaced by G.
Molecular consequence: intron variant.
Genome position (GRCh38, 1-based): chr11:45,979,757, T>C on the plus strand (A>G on the coding strand, the complement: PHF21A is on the minus strand). VCF-style: chr11-45979757-T-C. GRCh37 (hg19) VCF-style: chr11-46001308-T-C.
Other names: c.360+3A>G (NM_001352030.3, NM_001101802.3, NM_001352031.3 and 7 more transcripts).
Identifiers: ClinVar variation 780967 (VCV000780967.12), dbSNP rs149863118, ClinGen allele CA5961368.

ClinVar aggregate classification (germline): Benign. Review status: criteria provided, single submitter (1 of 4 stars). 2 submissions from 2 submitters: Benign (1). 1 of the submissions does not count toward it. Last evaluated 2026-01-28.

Conditions:
PHF21A-related disorder. Also called: PHF21A-related condition.

Allele frequency attached by ClinVar (database versions not stated): gnomAD exomes 0.00016 and 0.00045; ExAC 0.00056; gnomAD 0.00165 and 0.00174; TOPMed 0.00182; ESP Exome Variant Server 0.00200; 1000 Genomes Project 30x 0.00312; 1000 Genomes Project 0.00359.
gnomAD v4.1: 511 of 1,613,574 alleles (0.032%); highest among the groups gnomAD compares: African/African-American, 0.59%; 2 homozygotes.

Submissions (2):

Labcorp Genetics (formerly Invitae), Labcorp
Classification: Benign. Last evaluated: 2026-01-28. Review status: criteria provided, single submitter. Criteria: Invitae Variant Classification Sherloc (09022015). Collection method: clinical testing. Allele origin: germline.

PreventionGenetics, part of Exact Sciences
Classification: Benign for PHF21A-related condition. Last evaluated: 2021-06-10. Review status: no assertion criteria provided. Collection method: clinical testing. Allele origin: germline. Not counted in ClinVar's aggregate classification.
Comment: This variant is classified as benign based on ACMG/AMP sequence variant interpretation guidelines (Richards et al. 2015 PMID: 25741868, with internal and published modifications).